The following is an entry in ClinVar:

ClinVar aggregate classification (germline): Conflicting classifications of pathogenicity. Review status: criteria provided, conflicting classifications (1 of 4 stars). 7 submissions from 7 submitters: Uncertain significance (6); Likely benign (1). Last evaluated 2025-12-08.

Conditions:
Congenital myasthenic syndrome 4C (CMS4C). Also called: Myasthenic syndrome, congenital, associated with acetylcholine receptor deficiency. Identifiers: Orphanet 590, MedGen C1837091, MONDO:0012157, OMIM 608931.
Inborn genetic diseases. Identifiers: MedGen C0950123, MeSH D030342.
Congenital myasthenic syndrome 2A. Also called: Myasthenic syndrome, congenital, 2a, slow-channel. Identifiers: Orphanet 590, MedGen C4225374, MONDO:0014581, OMIM 616313.

Allele frequency attached by ClinVar (database versions not stated): gnomAD 0.00013; gnomAD exomes 0.00016 and 0.00026; ExAC 0.00017; TOPMed 0.00019.

Submissions (7):

Labcorp Genetics (formerly Invitae), Labcorp
Classification: Uncertain significance for Congenital myasthenic syndrome 2A. Last evaluated: 2025-12-08. Review status: criteria provided, single submitter. Criteria: Invitae Variant Classification Sherloc (09022015). Collection method: clinical testing. Allele origin: germline.
Comment: This sequence change replaces valine, which is neutral and non-polar, with alanine, which is neutral and non-polar, at codon 56 of the CHRNB1 protein (p.Val56Ala). This variant is present in population databases (rs759668768, gnomAD 0.04%). This variant has not been reported in the literature in individuals affected with CHRNB1-related conditions. ClinVar contains an entry for this variant (Variation ID: 523042). Invitae Evidence Modeling of protein sequence and biophysical properties (such as structural, functional, and spatial information, amino acid conservation, physicochemical variation, residue mobility, and thermodynamic stability) indicates that this missense variant is not expected to disrupt CHRNB1 protein function with a negative predictive value of 80%. In summary, the available evidence is currently insufficient to determine the role of this variant in disease. Therefore, it has been classified as a Variant of Uncertain Significance.

Revvity Omics, Revvity
Classification: Uncertain significance. Last evaluated: 2025-04-14. Review status: criteria provided, single submitter. Criteria: ACMG Guidelines, 2015. Collection method: clinical testing. Allele origin: germline.

Ambry Genetics
Classification: Uncertain significance for Inborn genetic diseases. Last evaluated: 2024-06-26. Review status: criteria provided, single submitter. Criteria: Ambry Variant Classification Scheme 2023. Collection method: clinical testing. Allele origin: germline.

Blueprint Genetics
Classification: Likely benign. Last evaluated: 2024-02-28. Review status: criteria provided, single submitter. Criteria: ACMG Guidelines, 2015. Collection method: clinical testing. Allele origin: germline.

Women's Health and Genetics/Laboratory Corporation of America, LabCorp
Classification: Uncertain significance. Last evaluated: 2024-01-22. Review status: criteria provided, single submitter. Criteria: LabCorp Variant Classification Summary - May 2015. Collection method: clinical testing. Allele origin: germline.
Comment: Variant summary: CHRNB1 c.167T>C (p.Val56Ala) results in a non-conservative amino acid change located in the Neurotransmitter-gated ion-channel ligand-binding domain (IPR006202) of the encoded protein sequence. Five of five in-silico tools predict a damaging effect of the variant on protein function. The variant allele was found at a frequency of 0.00016 in 243802 control chromosomes in the gnomAD database, including 2 homozygotes. To our knowledge, no occurrence of c.167T>C in individuals affected with Congenital Myasthenic Syndrome 2C and no experimental evidence demonstrating its impact on protein function have been reported. ClinVar contains an entry for this variant (Variation ID: 523042). Based on the evidence outlined above, the variant was classified as uncertain significance.

Illumina Laboratory Services, Illumina
Classification: Uncertain significance for Congenital myasthenic syndrome 4C. Last evaluated: 2018-01-12. Review status: criteria provided, single submitter. Criteria: ICSL Variant Classification Criteria 13 December 2019. Collection method: clinical testing. Allele origin: germline.

Genomic Research Center, Shahid Beheshti University of Medical Sciences
Classification: Uncertain significance for Congenital myasthenic syndrome 4C. Last evaluated: 2017-12-18. Review status: criteria provided, single submitter. Criteria: ACMG Guidelines, 2015. Collection method: clinical testing. Allele origin: inherited. Affected: yes.

NM_000747.3(CHRNB1):c.167T>C (p.Val56Ala)

Gene: CHRNB1 (cholinergic receptor nicotinic beta 1 subunit; plus strand). Cytogenetic location: 17p13.1.
Variant type: single nucleotide variant.
Coding change: c.167T>C on transcript NM_000747.3 (MANE Select); coding-DNA position 167, T replaced by C.
Protein change: p.Val56Ala; replaces valine 56 with alanine.
Molecular consequence: missense variant.
Genome position (GRCh38, 1-based): chr17:7,445,378, T>C. VCF-style: chr17-7445378-T-C. GRCh37 (hg19) VCF-style: chr17-7348697-T-C.
Other names: short protein forms V56A.
Identifiers: ClinVar variation 523042 (VCV000523042.24), dbSNP rs759668768, ClinGen allele CA8347649.
Genomic context (GRCh38, chr17:7,445,378, plus strand): 5'-CTGGCTATGATAGCTCCGTGCGGCCAGCGCGGGAGGTGGGAGACCGTGTCAGGGTCAGCG[T>C]TGGTCTCATCCTGGCGCAACTCATCAGCCTGGTGAGGGCGCGCGGGGGGTGGAGGTCAGG-3'
Protein context (NP_000738.2, residues 46-66): REVGDRVRVS[Val56Ala]GLILAQLISL